The following is an entry in ClinVar:

ClinVar aggregate classification (germline): Uncertain significance. Review status: criteria provided, multiple submitters, no conflicts (2 of 4 stars). 2 submissions from 2 submitters: Uncertain significance (2). Last evaluated 2024-11-09.

Conditions:
Inborn genetic diseases. Identifiers: MedGen C0950123, MeSH D030342.
Parkinsonian-pyramidal syndrome. Also called: PALLIDOPYRAMIDAL SYNDROME; PARKINSON DISEASE 15, AUTOSOMAL RECESSIVE; PARKINSON DISEASE 15, AUTOSOMAL RECESSIVE EARLY-ONSET. Identifiers: Orphanet 171695, MedGen C1850100, MONDO:0009830, OMIM 260300.

Allele frequency attached by ClinVar (database versions not stated): gnomAD exomes below 0.00001 and 0.00002; ExAC 0.00002; gnomAD 0.00010 and 0.00011; TOPMed 0.00010.
gnomAD v4.1: 22 of 1,614,032 alleles (0.0014%); highest among the groups gnomAD compares: African/African-American, 0.027%; no homozygotes.

Submissions (2):

Ambry Genetics
Classification: Uncertain significance for Inborn genetic diseases. Last evaluated: 2024-11-09. Review status: criteria provided, single submitter. Criteria: Ambry Variant Classification Scheme 2023. Collection method: clinical testing. Allele origin: germline.

Labcorp Genetics (formerly Invitae), Labcorp
Classification: Uncertain significance for Parkinsonian-pyramidal syndrome. Last evaluated: 2021-09-15. Review status: criteria provided, single submitter. Criteria: Invitae Variant Classification Sherloc (09022015). Collection method: clinical testing. Allele origin: germline.
Comment: This sequence change replaces asparagine with serine at codon 367 of the FBXO7 protein (p.Asn367Ser). The asparagine residue is highly conserved and there is a small physicochemical difference between asparagine and serine. This variant is present in population databases (rs764006085, ExAC 0.02%). This variant has not been reported in the literature in individuals affected with FBXO7-related conditions. Algorithms developed to predict the effect of missense changes on protein structure and function output the following: SIFT: "Tolerated"; PolyPhen-2: "Benign"; Align-GVGD: "Class C0". The serine amino acid residue is found in multiple mammalian species, which suggests that this missense change does not adversely affect protein function. Algorithms developed to predict the effect of sequence changes on RNA splicing suggest that this variant may create or strengthen a splice site. In summary, the available evidence is currently insufficient to determine the role of this variant in disease. Therefore, it has been classified as a Variant of Uncertain Significance.

NM_012179.4(FBXO7):c.1100A>G (p.Asn367Ser)

Gene: FBXO7 (F-box protein 7; plus strand). Cytogenetic location: 22q12.3.
Variant type: single nucleotide variant.
Coding change: c.1100A>G on transcript NM_012179.4 (MANE Select); coding-DNA position 1100, A replaced by G.
Protein change: p.Asn367Ser; replaces asparagine 367 with serine.
Molecular consequence: missense variant.
Genome position (GRCh38, 1-based): chr22:32,493,237, A>G. VCF-style: chr22-32493237-A-G. GRCh37 (hg19) VCF-style: chr22-32889224-A-G.
Other names: c.863A>G, p.Asn288Ser (NM_001033024.2); c.758A>G, p.Asn253Ser (NM_001257990.2); c.1100A>G (NM_012179.3); short protein forms N367S, N253S, N288S.
Identifiers: ClinVar variation 1522156 (VCV001522156.4), dbSNP rs764006085, ClinGen allele CA10201647.